The following is an entry in ClinVar:

NM_001394372.1(BICRA):c.1206G>A (p.Ala402=)

Gene: BICRA (BRD4 interacting chromatin remodeling complex associated protein; plus strand). Cytogenetic location: 19q13.33.
Variant type: single nucleotide variant.
Coding change: c.1206G>A on transcript NM_001394372.1 (MANE Select); coding-DNA position 1206, G replaced by A.
Protein change: p.Ala402=; no amino-acid change (alanine 402 retained).
Molecular consequence: synonymous variant.
Genome position (GRCh38, 1-based): chr19:47,680,376, G>A. VCF-style: chr19-47680376-G-A. GRCh37 (hg19) VCF-style: chr19-48183633-G-A.
Other names: c.1206G>A, p.Ala402= (NM_015711.3).
Identifiers: ClinVar variation 4821693 (VCV004821693.4).

ClinVar aggregate classification (germline): Likely benign (1 of 4 stars; one submission).

gnomAD v4.1: 2 of 1,530,170 alleles (0.00013%); highest among the groups gnomAD compares: Middle Eastern, 0.017%; no homozygotes.

Submission:

CeGaT Center for Human Genetics Tuebingen
Classification: Likely benign. Last evaluated: 2026-03-01. Review status: criteria provided, single submitter. Criteria: CeGaT Center For Human Genetics Tuebingen Variant Classification Criteria Version 2. Collection method: clinical testing. Allele origin: germline. Affected: yes. Observed: 1 variant allele.
Comment: BICRA: BP4, BP7